The following is an entry in ClinVar:

NM_002528.7(NTHL1):c.350C>G (p.Pro117Arg)

Gene: NTHL1 (nth like DNA glycosylase 1; minus strand). Cytogenetic location: 16p13.3.
Variant type: single nucleotide variant.
Coding change: c.350C>G on transcript NM_002528.7 (MANE Select); coding-DNA position 350, C replaced by G.
Protein change: p.Pro117Arg; replaces proline 117 with arginine.
Molecular consequence: missense variant. On other transcripts: intron variant (1).
Genome position (GRCh38, 1-based): chr16:2,046,132, G>C on the plus strand (C>G on the coding strand, the complement: NTHL1 is on the minus strand). VCF-style: chr16-2046132-G-C. GRCh37 (hg19) VCF-style: chr16-2096133-G-C.
Other names: c.350C>G, p.Pro117Arg (NM_001318193.2); c.24+148C>G (NM_001318194.2); short protein forms P117R.
Identifiers: ClinVar variation 2624713 (VCV002624713.4), dbSNP rs777263711, ClinGen allele CA394295043.

ClinVar aggregate classification (germline): Uncertain significance. Review status: criteria provided, multiple submitters, no conflicts (2 of 4 stars). 2 submissions from 2 submitters: Uncertain significance (2). Last evaluated 2025-12-10.

Conditions:
Hereditary cancer-predisposing syndrome. Also called: Tumor predisposition; Hereditary Cancer Syndrome; Hereditary neoplastic syndrome; Neoplastic Syndromes, Hereditary. Identifiers: Orphanet 140162, MedGen C0027672, MeSH D009386, MONDO:0015356.

Submissions (2):

Ambry Genetics
Classification: Uncertain significance for Hereditary cancer-predisposing syndrome. Last evaluated: 2025-12-10. Review status: criteria provided, single submitter. Criteria: Ambry Variant Classification Scheme 2023. Collection method: clinical testing. Allele origin: germline.
Comment: The p.P125R variant (also known as c.374C>G), located in coding exon 2 of the NTHL1 gene, results from a C to G substitution at nucleotide position 374. The proline at codon 125 is replaced by arginine, an amino acid with dissimilar properties. This amino acid position is conserved. In addition, the in silico prediction for this alteration is inconclusive. Since supporting evidence is limited at this time, the clinical significance of this alteration remains unclear.

Labcorp Genetics (formerly Invitae), Labcorp
Classification: Uncertain significance. Last evaluated: 2025-07-18. Review status: criteria provided, single submitter. Criteria: Invitae Variant Classification Sherloc (09022015). Collection method: clinical testing. Allele origin: germline.
Comment: This sequence change replaces proline, which is neutral and non-polar, with arginine, which is basic and polar, at codon 125 of the NTHL1 protein (p.Pro125Arg). This variant is present in population databases (no rsID available, gnomAD 0.0009%). This variant has not been reported in the literature in individuals affected with NTHL1-related conditions. ClinVar contains an entry for this variant (Variation ID: 2624713). An algorithm developed to predict the effect of missense changes on protein structure and function (PolyPhen-2) suggests that this variant is likely to be disruptive. In summary, the available evidence is currently insufficient to determine the role of this variant in disease. Therefore, it has been classified as a Variant of Uncertain Significance.